The following is an entry in ClinVar:

ClinVar aggregate classification (germline): Pathogenic. Review status: criteria provided, multiple submitters, no conflicts (2 of 4 stars). 13 submissions from 13 submitters: Pathogenic (11). 2 of the submissions do not count toward it. Last evaluated 2025-12-29.

Conditions:
Mucopolysaccharidosis, MPS-II (MPS2). Also called: IDS deficiency; Sulfoiduronate sulfatase deficiency; SIDS deficiency; IDURONATE 2-SULFATASE DEFICIENCY; Mucopolysaccharidosis Type II; Mucopolysaccharidosis type 2. Identifiers: Orphanet 580, Orphanet 79388, MedGen C0026705, MONDO:0010674, OMIM 309900.
Mucopolysaccharidosis type 2, severe form. Also called: Mucopolysaccharidosis, type II, severe form. Identifiers: Orphanet 217085, MedGen C0342841, MONDO:0016315.

Allele frequency attached by ClinVar (database versions not stated): gnomAD 0.00001.
gnomAD v4.1: 1 of 1,208,949 alleles (0.000083%); highest among the groups gnomAD compares: African/African-American, 0.0018%; no homozygotes.

Submissions (13):

GeneDx
Classification: Pathogenic. Last evaluated: 2025-12-29. Review status: criteria provided, single submitter. Criteria: GeneDx Variant Classification Process June 2021. Collection method: clinical testing. Allele origin: germline.
Comment: In silico analysis supports that this missense variant has a deleterious effect on protein structure/function; Not observed at significant frequency in large population cohorts (gnomAD); This variant is associated with the following publications: (PMID: 10838181, 34813777, 35144014, 22990955, 15614569, 17091340, 8364592, 26762690, 28077157, 27187040, 27695081, 30639582, 31877959, 33676511, 36907694, 35225932, 39303318, 39617925)

Chaochun Lab, Department of Endocrinology, Children's Hospital, Zhejiang University School Of Medicine
Classification: Pathogenic for Mucopolysaccharidosis, MPS-II. Last evaluated: 2024-12-12. Review status: criteria provided, single submitter. Criteria: ACMG Guidelines, 2015. Collection method: clinical testing. Allele origin: de novo. Inheritance: X-linked inheritance. Affected: yes. Observed: 1 hemizygote.
Comment: The c.1403G>A (p.Arg468GIn) variant was a missense variant in the coding region of the IDS gene. This variant has been detected in several patients with mucopolysaccharidosis type II as reported in the literature (PMID:28077157, 30639582, 33676511, 8364592, etc.). In addition, other variants in amino acid residues at the same site (p.Arg468Gly, p.Arg468Leu, p.Arg468Trp, and p.Arg468Pro) have also been reported in patients with mucopolysaccharidosis type II (PMIDs: 22990955, 35916809,24780617,7581397,33676511 etc.). Based on the available evidence, this variant was defined as a pathogenic variant.

Women's Health and Genetics/Laboratory Corporation of America, LabCorp
Classification: Pathogenic for Mucopolysaccharidosis, MPS-II. Last evaluated: 2024-11-25. Review status: criteria provided, single submitter. Criteria: LabCorp Variant Classification Summary - May 2015. Collection method: clinical testing. Allele origin: germline.
Comment: Variant summary: IDS c.1403G>A (p.Arg468Gln) results in a conservative amino acid change located in the iduronate-2-sulfatase domain (IPR035874) of the encoded protein sequence. Four of five in-silico tools predict a damaging effect of the variant on protein function. The variant was absent in 183290 control chromosomes. c.1403G>A has been reported in the literature in multiple individuals affected with Mucopolysaccharidosis Type II (Hunter Syndrome) (example, Muenzer_2024, Sukegawa_1997). These data indicate that the variant is very likely to be associated with disease. A different variant affecting the same codon has been classified as pathogenic by our lab (c.1402C>T, p.Arg468Trp), supporting the critical relevance of codon 468 to IDS protein function. At least one publication reports experimental evidence evaluating an impact on protein function ( Sukegawa_1997). The most pronounced variant effect results in diminished IDS activity in patients' cells. The following publications have been ascertained in the context of this evaluation (PMID: 39303318, 9375851). ClinVar contains an entry for this variant (Variation ID: 10498). Based on the evidence outlined above, the variant was classified as pathogenic.

Laboratory of Diagnosis and Therapy of Lysosomal Disorders, University of Padova
Classification: Pathogenic for Mucopolysaccharidosis, MPS-II. Last evaluated: 2024-06-07. Review status: criteria provided, single submitter. Criteria: ACMG Guidelines, 2015. Collection method: literature only. Allele origin: germline. Affected: yes. Observed: 90 variant alleles.
Comment: In vitro or in vivo functional studies supportive of a damaging effect (PS3_Moderate), Prevalence of the variant significantly increased in affected individuals compared with controls (PS4_Strong), Absent from controls (or at low frequency) in gnomAD database (PM2_Moderate), Cosegregation with disease in multiple affected family members (PP1_Moderate), Missense variant in a gene with a low rate of benign missense variation (PP2_Supporting), Multiple lines of computational evidence support a deleterious effect (PP3_Supporting), Patient’s phenotype or family history highly specific for the disease (PP4_Moderate)

Classification method: ACMG Guidelines [PMID:25741868] with modifications

Labcorp Genetics (formerly Invitae), Labcorp
Classification: Pathogenic for Mucopolysaccharidosis, MPS-II. Last evaluated: 2023-07-25. Review status: criteria provided, single submitter. Criteria: Invitae Variant Classification Sherloc (09022015). Collection method: clinical testing. Allele origin: germline.
Comment: Experimental studies have shown that this missense change affects IDS function (PMID: 18500569). Advanced modeling of protein sequence and biophysical properties (such as structural, functional, and spatial information, amino acid conservation, physicochemical variation, residue mobility, and thermodynamic stability) has been performed at Invitae for this missense variant, however the output from this modeling did not meet the statistical confidence thresholds required to predict the impact of this variant on IDS protein function. ClinVar contains an entry for this variant (Variation ID: 10498). This missense change has been observed in individuals with mucopolysaccharidosis II (PMID: 7581397, 9266380, 9875019). This variant is not present in population databases (gnomAD no frequency). This sequence change replaces arginine, which is basic and polar, with glutamine, which is neutral and polar, at codon 468 of the IDS protein (p.Arg468Gln). For these reasons, this variant has been classified as Pathogenic. This variant disrupts the p.Arg468 amino acid residue in IDS. Other variant(s) that disrupt this residue have been determined to be pathogenic (PMID: 1284597, 15614569, 28077157, 30639582). This suggests that this residue is clinically significant, and that variants that disrupt this residue are likely to be disease-causing.

Foundation for Research in Genetics and Endocrinology, FRIGE's Institute of Human Genetics
Classification: Pathogenic for Mucopolysaccharidosis, MPS-II. Last evaluated: 2023-03-22. Review status: criteria provided, single submitter. Criteria: ACMG Guidelines, 2015. Collection method: clinical testing. Allele origin: germline. Inheritance: X-linked recessive inheritance. Affected: yes. Observed: 1 hemizygote.
Comment: A hemizygous variation in exon 9 of the IDS gene detected. The observed variant c.1403G>A has not been reported in the 1000 genomes databases. The in silico prediction is damaging by SIFT, PROVEAN, Polyphen2 and MutationTaster. In summary, the variant meets our criteria to be classified as pathogenic.

Revvity Omics, Revvity
Classification: Pathogenic for Mucopolysaccharidosis, MPS-II. Last evaluated: 2022-10-13. Review status: criteria provided, single submitter. Criteria: ACMG Guidelines, 2015. Collection method: clinical testing. Allele origin: germline.

Genome-Nilou Lab
Classification: Pathogenic for Mucopolysaccharidosis, MPS-II. Last evaluated: 2021-09-05. Review status: criteria provided, single submitter. Criteria: ACMG Guidelines, 2015. Collection method: clinical testing. Allele origin: germline. Affected: no.

Eurofins Ntd Llc (ga)
Classification: Pathogenic. Last evaluated: 2013-09-25. Review status: criteria provided, single submitter. Criteria: EGL Classification Definitions. Collection method: clinical testing. Allele origin: germline.

IIFP, CONICET-UNLP
Classification: Pathogenic for Mucopolysaccharidosis, MPS-II. Last evaluated: 2007-08-02. Review status: criteria provided, single submitter. Criteria: ACMG Guidelines, 2007. Collection method: research. Allele origin: maternal, de novo, unknown. Inheritance: X-linked inheritance. Affected: yes. Observed: 6 variant alleles.

Department of Medical Genetics, Sanjay Gandhi Post Graduate Institute of Medical Sciences
Classification: Pathogenic for Mucopolysaccharidosis, MPS-II. Review status: criteria provided, single submitter. Criteria: ACMG Guidelines, 2015. Collection method: clinical testing. Allele origin: germline. Inheritance: X-linked recessive inheritance. Affected: yes. Observed: 1 variant allele, 1 hemizygote.

OMIM
Classification: Pathogenic for MUCOPOLYSACCHARIDOSIS, TYPE II, SEVERE FORM. Last evaluated: 1997-01-01. Review status: no assertion criteria provided. Collection method: literature only. Allele origin: germline. Not counted in ClinVar's aggregate classification.

GeneReviews
No classification provided. Condition: Mucopolysaccharidosis, MPS-II. Review status: no classification provided. Collection method: literature only. Allele origin: germline. Not counted in ClinVar's aggregate classification.

Literature cited by the submitters: PubMed 28077157 (cited by 3 submitters); PubMed 30639582 (cited by 3 submitters); PubMed 39303318 (cited by Women's Health and Genetics/Laboratory Corporation of America, LabCorp); PubMed 9375851 (cited by 3 submitters); PubMed 35144014 (cited by Laboratory of Diagnosis and Therapy of Lysosomal Disorders, University of Padova); PubMed 26762690 (cited by Laboratory of Diagnosis and Therapy of Lysosomal Disorders, University of Padova); PubMed 27896113 (cited by Laboratory of Diagnosis and Therapy of Lysosomal Disorders, University of Padova); PubMed 24125893 (cited by Laboratory of Diagnosis and Therapy of Lysosomal Disorders, University of Padova); PubMed 24798265 (cited by Laboratory of Diagnosis and Therapy of Lysosomal Disorders, University of Padova); PubMed 27883178 (cited by Laboratory of Diagnosis and Therapy of Lysosomal Disorders, University of Padova); PubMed 34813777 (cited by Laboratory of Diagnosis and Therapy of Lysosomal Disorders, University of Padova).

NM_000202.8(IDS):c.1403G>A (p.Arg468Gln)

Gene: IDS (iduronate 2-sulfatase; minus strand). Cytogenetic location: Xq28.
Variant type: single nucleotide variant.
Coding change: c.1403G>A on transcript NM_000202.8 (MANE Select); coding-DNA position 1403, G replaced by A.
Protein change: p.Arg468Gln; replaces arginine 468 with glutamine.
Molecular consequence: missense variant.
Genome position (GRCh38, 1-based): chrX:149,482,996, C>T on the plus strand (G>A on the coding strand, the complement: IDS is on the minus strand). VCF-style: chrX-149482996-C-T. GRCh37 (hg19) VCF-style: chrX-148564527-C-T.
Other names: c.1403G>A (NM_000202.4); c.1133G>A, p.Arg378Gln (NM_001166550.4); short protein forms R468Q, R378Q.
Identifiers: ClinVar variation 10498 (VCV000010498.25), dbSNP rs113993946, ClinGen allele CA340992.